The following is an entry in ClinVar:

NM_001130144.3(LTBP3):c.2716G>T (p.Gly906Cys)

Gene: LTBP3 (latent transforming growth factor beta binding protein 3; minus strand). Cytogenetic location: 11q13.1.
Variant type: single nucleotide variant.
Coding change: c.2716G>T on transcript NM_001130144.3 (MANE Select); coding-DNA position 2716, G replaced by T.
Protein change: p.Gly906Cys; replaces glycine 906 with cysteine.
Molecular consequence: missense variant.
Genome position (GRCh38, 1-based): chr11:65,541,609, C>A on the plus strand (G>T on the coding strand, the complement: LTBP3 is on the minus strand). VCF-style: chr11-65541609-C-A. GRCh37 (hg19) VCF-style: chr11-65309080-C-A.
Other names: c.2365G>T, p.Gly789Cys (NM_001164266.1); c.2716G>T, p.Gly906Cys (NM_021070.4); short protein forms G906C, G789C.
Identifiers: ClinVar variation 4752584 (VCV004752584.1).

ClinVar aggregate classification (germline): Uncertain significance (1 of 4 stars; one submission).

Conditions:
Brachyolmia-amelogenesis imperfecta syndrome. Also called: PLATYSPONDYLY WITH AMELOGENESIS IMPERFECTA; Tooth agenesis, selective, 6; Dental anomalies and short stature. Identifiers: Orphanet 2899, MedGen C1832594, MONDO:0011018, OMIM 601216. Disease mechanism: loss of function.

Submission:

Labcorp Genetics (formerly Invitae), Labcorp
Classification: Uncertain significance for Brachyolmia-amelogenesis imperfecta syndrome. Last evaluated: 2025-04-17. Review status: criteria provided, single submitter. Criteria: Invitae Variant Classification Sherloc (09022015). Collection method: clinical testing. Allele origin: germline.
Comment: This sequence change replaces glycine, which is neutral and non-polar, with cysteine, which is neutral and slightly polar, at codon 906 of the LTBP3 protein (p.Gly906Cys). This variant is not present in population databases (gnomAD no frequency). This variant has not been reported in the literature in individuals affected with LTBP3-related conditions. An algorithm developed to predict the effect of missense changes on protein structure and function (PolyPhen-2) suggests that this variant is likely to be disruptive. In summary, the available evidence is currently insufficient to determine the role of this variant in disease. Therefore, it has been classified as a Variant of Uncertain Significance.